The following is an entry in ClinVar:

NM_033380.3(COL4A5):c.602G>T (p.Gly201Val)

Gene: COL4A5 (collagen type IV alpha 5 chain; plus strand). Cytogenetic location: Xq22.3.
Variant type: single nucleotide variant.
Coding change: c.602G>T on transcript NM_033380.3 (MANE Select); coding-DNA position 602, G replaced by T.
Protein change: p.Gly201Val; replaces glycine 201 with valine.
Molecular consequence: missense variant.
Genome position (GRCh38, 1-based): chrX:108,575,965, G>T. VCF-style: chrX-108575965-G-T. GRCh37 (hg19) VCF-style: chrX-107819195-G-T.
Other names: c.602G>T, p.Gly201Val (NM_000495.5); short protein forms G201V.
Identifiers: ClinVar variation 5010275 (VCV005010275.1), dbSNP rs104886062.

ClinVar aggregate classification (germline): Pathogenic (1 of 4 stars; one submission).

Conditions:
X-linked Alport syndrome (ATS1). Also called: NEPHROPATHY AND DEAFNESS, X-LINKED; COL4A5-Related Nephropathy. Identifiers: Orphanet 63, Orphanet 88917, MedGen C4746986, MONDO:0010520, OMIM 301050.

Submission:

Clinical Genetics Laboratory, Skane University Hospital Lund
Classification: Pathogenic for X-linked Alport syndrome. Last evaluated: 2026-08-21. Review status: criteria provided, single submitter. Criteria: ACMG Guidelines, 2015. Collection method: clinical testing. Allele origin: germline. Affected: yes.
Comment: ACMG criteria used: PS4_supporting, PM1, PM2, PP1, PP3 samt PP4_strong